The following is an entry in ClinVar:

ClinVar aggregate classification (germline): Uncertain significance (1 of 4 stars; one submission).

Conditions:
Inborn genetic diseases. Identifiers: MedGen C0950123, MeSH D030342.

gnomAD v4.1: 2 of 1,613,524 alleles (0.00012%); highest among the groups gnomAD compares: Non-Finnish European, 0.00017%; no homozygotes.

Submission:

Ambry Genetics
Classification: Uncertain significance for Inborn genetic diseases. Last evaluated: 2025-08-31. Review status: criteria provided, single submitter. Criteria: Ambry Variant Classification Scheme 2023. Collection method: clinical testing. Allele origin: germline.
Comment: The p.N234D variant (also known as c.700A>G), located in coding exon 4 of the ERCC6L2 gene, results from an A to G substitution at nucleotide position 700. The asparagine at codon 234 is replaced by aspartic acid, an amino acid with highly similar properties. This amino acid position is conserved. In addition, this alteration is predicted to be tolerated by in silico analysis. Based on the available evidence, the clinical significance of this variant remains unclear.

NM_020207.7(ERCC6L2):c.700A>G (p.Asn234Asp)

Gene: ERCC6L2 (ERCC excision repair 6 like 2; plus strand). Cytogenetic location: 9q22.32.
Variant type: single nucleotide variant.
Coding change: c.700A>G on transcript NM_020207.7 (MANE Select); coding-DNA position 700, A replaced by G.
Protein change: p.Asn234Asp; replaces asparagine 234 with aspartic acid.
Molecular consequence: missense variant. On other transcripts: non-coding transcript variant (1).
Genome position (GRCh38, 1-based): chr9:95,907,183, A>G. VCF-style: chr9-95907183-A-G. GRCh37 (hg19) VCF-style: chr9-98669465-A-G.
Other names: c.700A>G, p.Asn234Asp (NM_001010895.4, NM_001375291.1, NM_001375292.1 and 2 more transcripts); short protein forms N234D.
Identifiers: ClinVar variation 4250639 (VCV004250639.1).